The following is an entry in ClinVar:

NM_000535.7(PMS2):c.2222A>T (p.Glu741Val)

Gene: PMS2 (PMS1 homolog 2, mismatch repair system component; minus strand). Cytogenetic location: 7p22.1.
Variant type: single nucleotide variant.
Coding change: c.2222A>T on transcript NM_000535.7 (MANE Select); coding-DNA position 2222, A replaced by T.
Protein change: p.Glu741Val; replaces glutamic acid 741 with valine.
Molecular consequence: missense variant. On other transcripts: non-coding transcript variant (1), intron variant (2).
Genome position (GRCh38, 1-based): chr7:5,978,649, T>A on the plus strand (A>T on the coding strand, the complement: PMS2 is on the minus strand). VCF-style: chr7-5978649-T-A. GRCh37 (hg19) VCF-style: chr7-6018280-T-A.
Other names: c.1748A>T, p.Glu583Val (NM_001406902.1, NM_001406901.1); c.1736A>T, p.Glu579Val (NM_001406903.1); c.1709A>T, p.Glu570Val (NM_001406904.1, NM_001406905.1); c.1661A>T, p.Glu554Val (NM_001406906.1, NM_001406907.1, NM_001322010.2); c.1649A>T, p.Glu550Val (NM_001406908.1, NM_001406909.1, NM_001322013.2); c.1451A>T, p.Glu484Val (NM_001406911.1); c.1019A>T, p.Glu340Val (NM_001406912.1); c.1602-935A>T (NM_001406910.1); and 16 more; short protein forms E340V, E579V, E606V, E638V, E675V, E749V, E484V, E550V.
Identifiers: ClinVar variation 3421471 (VCV003421471.1).

ClinVar aggregate classification (germline): Uncertain significance (1 of 4 stars; one submission).

Conditions:
Hereditary cancer-predisposing syndrome. Also called: Neoplastic Syndromes, Hereditary; Tumor predisposition; Hereditary Cancer Syndrome; Hereditary neoplastic syndrome. Identifiers: Orphanet 140162, MedGen C0027672, MeSH D009386, MONDO:0015356.

Submission:

Ambry Genetics
Classification: Uncertain significance for Hereditary cancer-predisposing syndrome. Last evaluated: 2024-07-11. Review status: criteria provided, single submitter. Criteria: Ambry Variant Classification Scheme 2023. Collection method: clinical testing. Allele origin: germline.
Comment: The p.E741V variant (also known as c.2222A>T), located in coding exon 13 of the PMS2 gene, results from an A to T substitution at nucleotide position 2222. The glutamic acid at codon 741 is replaced by valine, an amino acid with dissimilar properties. This amino acid position is conserved. In addition, this alteration is predicted to be deleterious by in silico analysis. Based on the available evidence, the clinical significance of this variant remains unclear.